The following is an entry in ClinVar:

ClinVar aggregate classification (germline): Benign/Likely benign. Review status: criteria provided, multiple submitters, no conflicts (2 of 4 stars). 7 submissions from 7 submitters: Benign (3); Likely benign (4). Last evaluated 2026-02-04.

Conditions:
Maple syrup urine disease (MSUD). Identifiers: Orphanet 511, MedGen C0024776, MeSH D008375, MONDO:0009563. Disease mechanism: loss of function.

Allele frequency attached by ClinVar (database versions not stated): 1000 Genomes Project 30x 0.01874; gnomAD exomes 0.02362; gnomAD 0.01022 and 0.01042; 1000 Genomes Project 0.01737; ExAC 0.01757; ESP Exome Variant Server 0.00123; TOPMed 0.01929.
gnomAD v4.1: 9,123 of 1,605,510 alleles (0.57%); highest among the groups gnomAD compares: Admixed American, 14%; 815 homozygotes.

Submissions (24):

Labcorp Genetics (formerly Invitae), Labcorp
Classification: Benign for Maple syrup urine disease. Last evaluated: 2026-02-04. Review status: criteria provided, single submitter. Criteria: Invitae Variant Classification Sherloc (09022015). Collection method: clinical testing. Allele origin: germline.

Genome-Nilou Lab
Classification: Likely benign for Maple syrup urine disease type 1A. Last evaluated: 2023-04-11. Review status: criteria provided, single submitter. Criteria: ACMG Guidelines, 2015. Collection method: clinical testing. Allele origin: germline. Affected: no.

Illumina Laboratory Services, Illumina
Classification: Benign for Maple syrup urine disease type 1A. Last evaluated: 2018-01-12. Review status: criteria provided, single submitter. Criteria: ICSL Variant Classification Criteria 13 December 2019. Collection method: clinical testing. Allele origin: germline.
Comment: This variant was observed in the ICSL laboratory as part of a predisposition screen in an ostensibly healthy population. It had not been previously curated by ICSL or reported in the Human Gene Mutation Database (HGMD: prior to June 1st, 2018), and was therefore a candidate for classification through an automated scoring system. Utilizing variant allele frequency, disease prevalence and penetrance estimates, and inheritance mode, an automated score was calculated to assess if this variant is too frequent to cause the disease. Based on the score and internal cut-off values, a variant classified as benign is not then subjected to further curation. The score for this variant resulted in a classification of benign for this disease.

Center for Pediatric Genomic Medicine, Children's Mercy Hospital and Clinics
Classification: Likely benign. Last evaluated: 2016-02-11. Review status: criteria provided, single submitter. Criteria: ACMG Guidelines, 2015. Collection method: clinical testing. Allele origin: germline.
ClinVar note: Converted during submission from Likely Benign to Likely benign.

GeneDx
Classification: Benign. Last evaluated: 2015-03-03. Review status: criteria provided, single submitter. Criteria: GeneDx Variant Classification Process June 2021. Collection method: clinical testing. Allele origin: germline. Affected: yes.

Eurofins Ntd Llc (ga)
Classification: Likely benign. Last evaluated: 2013-09-04. Review status: criteria provided, single submitter. Criteria: EGL Classification Definitions 2015. Collection method: clinical testing. Allele origin: germline. Observed: 3 variant alleles, 3 heterozygotes.

Breakthrough Genomics
Classification: Likely benign. Review status: criteria provided, single submitter. Criteria: ACMG Guidelines, 2015. Collection method: not provided. Allele origin: germline. Inheritance: Autosomal recessive inheritance. Affected: yes.

Dr. Peter K. Rogan Lab, Western University
No classification provided (evidence only). Condition: Lung cancer. Review status: no classification provided. Collection method: in vitro. Allele origin: not applicable. Functional consequence: skipped exon, retained intron. Not counted in ClinVar's aggregate classification.

Dr. Peter K. Rogan Lab, Western University
No classification provided (evidence only). Condition: Familial cancer of breast. Review status: no classification provided. Collection method: in vitro. Allele origin: not applicable. Functional consequence: skipped exon, retained intron. Not counted in ClinVar's aggregate classification.

Dr. Peter K. Rogan Lab, Western University
No classification provided (evidence only). Condition: Clear cell carcinoma of kidney. Review status: no classification provided. Collection method: in vitro. Allele origin: not applicable. Functional consequence: skipped exon. Not counted in ClinVar's aggregate classification.

Dr. Peter K. Rogan Lab, Western University
No classification provided (evidence only). Condition: Familial cancer of breast. Review status: no classification provided. Collection method: in vitro. Allele origin: not applicable. Functional consequence: skipped exon. Not counted in ClinVar's aggregate classification.

Dr. Peter K. Rogan Lab, Western University
No classification provided (evidence only). Condition: Lung cancer. Review status: no classification provided. Collection method: in vitro. Allele origin: not applicable. Functional consequence: skipped exon, retained intron. Not counted in ClinVar's aggregate classification.

Dr. Peter K. Rogan Lab, Western University
No classification provided (evidence only). Condition: Familial cancer of breast. Review status: no classification provided. Collection method: in vitro. Allele origin: not applicable. Functional consequence: skipped exon. Not counted in ClinVar's aggregate classification.

Dr. Peter K. Rogan Lab, Western University
No classification provided (evidence only). Condition: Cervical cancer. Review status: no classification provided. Collection method: in vitro. Allele origin: not applicable. Functional consequence: skipped exon. Not counted in ClinVar's aggregate classification.

Dr. Peter K. Rogan Lab, Western University
No classification provided (evidence only). Condition: Cervical cancer. Review status: no classification provided. Collection method: in vitro. Allele origin: not applicable. Functional consequence: skipped exon, retained intron. Not counted in ClinVar's aggregate classification.

Dr. Peter K. Rogan Lab, Western University
No classification provided (evidence only). Condition: Cervical cancer. Review status: no classification provided. Collection method: in vitro. Allele origin: not applicable. Functional consequence: skipped exon, retained intron. Not counted in ClinVar's aggregate classification.

Dr. Peter K. Rogan Lab, Western University
No classification provided (evidence only). Condition: Cervical cancer. Review status: no classification provided. Collection method: in vitro. Allele origin: not applicable. Functional consequence: skipped exon. Not counted in ClinVar's aggregate classification.

Dr. Peter K. Rogan Lab, Western University
No classification provided (evidence only). Condition: Cervical cancer. Review status: no classification provided. Collection method: in vitro. Allele origin: not applicable. Functional consequence: retained intron. Not counted in ClinVar's aggregate classification.

Dr. Peter K. Rogan Lab, Western University
No classification provided (evidence only). Condition: Sarcoma. Review status: no classification provided. Collection method: in vitro. Allele origin: not applicable. Functional consequence: skipped exon. Not counted in ClinVar's aggregate classification.

Dr. Peter K. Rogan Lab, Western University
No classification provided (evidence only). Condition: Cervical cancer. Review status: no classification provided. Collection method: in vitro. Allele origin: not applicable. Functional consequence: skipped exon. Not counted in ClinVar's aggregate classification.

Dr. Peter K. Rogan Lab, Western University
No classification provided (evidence only). Condition: Cervical cancer. Review status: no classification provided. Collection method: in vitro. Allele origin: not applicable. Functional consequence: skipped exon, retained intron. Not counted in ClinVar's aggregate classification.

Dr. Peter K. Rogan Lab, Western University
No classification provided (evidence only). Condition: Thymoma. Review status: no classification provided. Collection method: in vitro. Allele origin: not applicable. Functional consequence: skipped exon. Not counted in ClinVar's aggregate classification.

Dr. Peter K. Rogan Lab, Western University
No classification provided (evidence only). Condition: Cholangiocarcinoma. Review status: no classification provided. Collection method: in vitro. Allele origin: not applicable. Functional consequence: skipped exon. Not counted in ClinVar's aggregate classification.

Dr. Peter K. Rogan Lab, Western University
No classification provided (evidence only). Condition: Ovarian serous cystadenocarcinoma. Review status: no classification provided. Collection method: in vitro. Allele origin: not applicable. Functional consequence: retained intron. Not counted in ClinVar's aggregate classification.

NM_001918.5(DBT):c.1281+6T>G

Gene: DBT (dihydrolipoamide branched chain transacylase E2; minus strand). Cytogenetic location: 1p21.2.
Variant type: single nucleotide variant.
Coding change: c.1281+6T>G on transcript NM_001918.5 (MANE Select); 6 bases into the intron after coding-DNA position 1281, T replaced by G.
Molecular consequence: intron variant.
Genome position (GRCh38, 1-based): chr1:100,206,224, A>C on the plus strand (T>G on the coding strand, the complement: DBT is on the minus strand). VCF-style: chr1-100206224-A-C. GRCh37 (hg19) VCF-style: chr1-100671780-A-C.
Identifiers: ClinVar variation 93990 (VCV000093990.25), dbSNP rs140115881, ClinGen allele CA147528.